The following is an entry in ClinVar:

ClinVar aggregate classification (germline): Uncertain significance (1 of 4 stars; one submission).

Conditions:
Cardiovascular phenotype. Identifiers: MedGen CN230736.

Allele frequency attached by ClinVar (database versions not stated): gnomAD exomes below 0.00001; TOPMed below 0.00001; ExAC 0.00001.
gnomAD v4.1: 4 of 1,614,004 alleles (0.00025%); highest among the groups gnomAD compares: Non-Finnish European, 0.00034%; no homozygotes.

Submission:

Ambry Genetics
Classification: Uncertain significance for Cardiovascular phenotype. Last evaluated: 2017-07-19. Review status: criteria provided, single submitter. Criteria: Ambry Variant Classification Scheme 2023. Collection method: clinical testing. Allele origin: germline.
Comment: The p.P363T variant (also known as c.1087C>A), located in coding exon 11 of the EYA4 gene, results from a C to A substitution at nucleotide position 1087. The proline at codon 363 is replaced by threonine, an amino acid with highly similar properties. This amino acid position is highly conserved in available vertebrate species. In addition, the in silico prediction for this alteration is inconclusive. Since supporting evidence is limited at this time, the clinical significance of this alteration remains unclear.

NM_004100.5(EYA4):c.1087C>A (p.Pro363Thr)

Gene: EYA4 (EYA transcriptional coactivator and phosphatase 4; plus strand). Cytogenetic location: 6q23.2.
Variant type: single nucleotide variant.
Coding change: c.1087C>A on transcript NM_004100.5 (MANE Select); coding-DNA position 1087, C replaced by A.
Protein change: p.Pro363Thr; replaces proline 363 with threonine.
Molecular consequence: missense variant.
Genome position (GRCh38, 1-based): chr6:133,481,579, C>A. VCF-style: chr6-133481579-C-A. GRCh37 (hg19) VCF-style: chr6-133802717-C-A.
Other names: c.925C>A, p.Pro309Thr (NM_001301012.2); c.1105C>A, p.Pro369Thr (NM_001301013.2); c.1018C>A, p.Pro340Thr (NM_001370458.1, NM_172103.4); c.943C>A, p.Pro315Thr (NM_001370459.1); c.1087C>A, p.Pro363Thr (NM_172105.4); short protein forms P363T, P340T, P315T, P309T, P369T.
Identifiers: ClinVar variation 518692 (VCV000518692.5), dbSNP rs766386665, ClinGen allele CA4008236.